The following is an entry in ClinVar:

NM_001370466.1(NOD2):c.1340A>G (p.Gln447Arg)

Gene: NOD2 (nucleotide binding oligomerization domain containing 2; plus strand). Cytogenetic location: 16q12.1.
Variant type: single nucleotide variant.
Coding change: c.1340A>G on transcript NM_001370466.1 (MANE Select); coding-DNA position 1340, A replaced by G.
Protein change: p.Gln447Arg; replaces glutamine 447 with arginine.
Molecular consequence: missense variant. On other transcripts: non-coding transcript variant (1).
Genome position (GRCh38, 1-based): chr16:50,711,332, A>G. VCF-style: chr16-50711332-A-G. GRCh37 (hg19) VCF-style: chr16-50745243-A-G.
Other names: c.1340A>G, p.Gln447Arg (NM_001293557.2); c.1421A>G, p.Gln474Arg (NM_022162.3); c.1421A>G (NM_022162.1); short protein forms Q447R, Q474R.
Identifiers: ClinVar variation 961868 (VCV000961868.11), dbSNP rs367819045, ClinGen allele CA8051545.

ClinVar aggregate classification (germline): Conflicting classifications of pathogenicity. Review status: criteria provided, conflicting classifications (1 of 4 stars). 2 submissions from 2 submitters: Uncertain significance (1); Likely benign (1). Last evaluated 2025-07-06.

Conditions:
Regional enteritis. Also called: Enteritis, Granulomatous. Identifiers: MedGen C0678202, MeSH D003424.
Blau syndrome (BLAUS). Also called: GRANULOMATOSIS, FAMILIAL JUVENILE SYSTEMIC; GRANULOMATOSIS, FAMILIAL, BLAU TYPE; GRANULOMATOUS INFLAMMATORY ARTHRITIS, DERMATITIS, AND UVEITIS, FAMILIAL; JABS SYNDROME; ARTHROCUTANEOUVEAL GRANULOMATOSIS. Identifiers: Orphanet 90340, MedGen C5201146, MONDO:0008523, OMIM 186580.
Inborn genetic diseases. Identifiers: MedGen C0950123, MeSH D030342.

Allele frequency attached by ClinVar (database versions not stated): ExAC 0.00001; gnomAD 0.00002; TOPMed 0.00002; gnomAD exomes 0.00003 and 0.00008; ESP Exome Variant Server 0.00008.
gnomAD v4.1: 130 of 1,613,598 alleles (0.0081%); highest among the groups gnomAD compares: Non-Finnish European, 0.01%; no homozygotes.

Submissions (2):

Labcorp Genetics (formerly Invitae), Labcorp
Classification: Uncertain significance for Regional enteritis; Blau syndrome. Last evaluated: 2025-07-06. Review status: criteria provided, single submitter. Criteria: Invitae Variant Classification Sherloc (09022015). Collection method: clinical testing. Allele origin: germline.
Comment: This sequence change replaces glutamine, which is neutral and polar, with arginine, which is basic and polar, at codon 474 of the NOD2 protein (p.Gln474Arg). This variant is present in population databases (rs367819045, gnomAD 0.006%). This variant has not been reported in the literature in individuals affected with NOD2-related conditions. ClinVar contains an entry for this variant (Variation ID: 961868). Invitae Evidence Modeling of protein sequence and biophysical properties (such as structural, functional, and spatial information, amino acid conservation, physicochemical variation, residue mobility, and thermodynamic stability) indicates that this missense variant is not expected to disrupt NOD2 protein function with a negative predictive value of 95%. In summary, the available evidence is currently insufficient to determine the role of this variant in disease. Therefore, it has been classified as a Variant of Uncertain Significance.

Ambry Genetics
Classification: Likely benign for Inborn genetic diseases. Last evaluated: 2023-02-23. Review status: criteria provided, single submitter. Criteria: Ambry Variant Classification Scheme 2023. Collection method: clinical testing. Allele origin: germline.